The following is an entry in ClinVar:

NM_000288.4(PEX7):c.44C>T (p.Pro15Leu)

Gene: PEX7 (peroxisomal biogenesis factor 7; plus strand). Cytogenetic location: 6q23.3.
Variant type: single nucleotide variant.
Coding change: c.44C>T on transcript NM_000288.4 (MANE Select); coding-DNA position 44, C replaced by T.
Protein change: p.Pro15Leu; replaces proline 15 with leucine.
Molecular consequence: missense variant.
Genome position (GRCh38, 1-based): chr6:136,822,709, C>T. VCF-style: chr6-136822709-C-T. GRCh37 (hg19) VCF-style: chr6-137143847-C-T.
Other names: short protein forms P15L.
Identifiers: ClinVar variation 447933 (VCV000447933.7), dbSNP rs925593750, ClinGen allele CA148640675.

ClinVar aggregate classification (germline): Uncertain significance. Review status: criteria provided, multiple submitters, no conflicts (2 of 4 stars). 6 submissions from 6 submitters: Uncertain significance (4). 2 of the submissions do not count toward it. Last evaluated 2023-06-02.

Conditions:
Inborn genetic diseases. Identifiers: MedGen C0950123, MeSH D030342.
Peroxisome biogenesis disorder 9B. Also called: PEROXISOME BIOGENESIS DISORDER, PEX7-RELATED, ATYPICAL; PEX7-Related Refsum Disease; Refsum disease, adult, 2. Identifiers: Orphanet 773, MedGen C2749346, MONDO:0013945, OMIM 614879.
Rhizomelic chondrodysplasia punctata (RCDP). Identifiers: Orphanet 177, MedGen C0282529, MONDO:0015776. Disease mechanism: loss of function.
PEX7-related disorder. Also called: PEX7-related condition; PEX7-related disorders. Identifiers: MedGen CN239409.

Allele frequency attached by ClinVar (database versions not stated): gnomAD 0.00010 and 0.00011; gnomAD exomes 0.00010; TOPMed 0.00014.
gnomAD v4.1: 146 of 1,516,752 alleles (0.0096%); highest among the groups gnomAD compares: African/African-American, 0.021%; no homozygotes.

Submissions (6):

Ambry Genetics
Classification: Uncertain significance for Inborn genetic diseases. Last evaluated: 2023-06-02. Review status: criteria provided, single submitter. Criteria: Ambry Variant Classification Scheme 2023. Collection method: clinical testing. Allele origin: germline.

Mayo Clinic Laboratories, Mayo Clinic
Classification: Uncertain significance. Last evaluated: 2022-12-15. Review status: criteria provided, single submitter. Criteria: ACMG Guidelines, 2015. Collection method: clinical testing. Allele origin: germline. Observed: 1 variant allele.

Labcorp Genetics (formerly Invitae), Labcorp
Classification: Uncertain significance for Peroxisome biogenesis disorder 9B. Last evaluated: 2022-10-13. Review status: criteria provided, single submitter. Criteria: Invitae Variant Classification Sherloc (09022015). Collection method: clinical testing. Allele origin: germline.
Comment: This sequence change replaces proline, which is neutral and non-polar, with leucine, which is neutral and non-polar, at codon 15 of the PEX7 protein (p.Pro15Leu). This variant is present in population databases (no rsID available, gnomAD 0.03%). This variant has not been reported in the literature in individuals affected with PEX7-related conditions. ClinVar contains an entry for this variant (Variation ID: 447933). Algorithms developed to predict the effect of missense changes on protein structure and function (SIFT, PolyPhen-2, Align-GVGD) all suggest that this variant is likely to be tolerated. In summary, the available evidence is currently insufficient to determine the role of this variant in disease. Therefore, it has been classified as a Variant of Uncertain Significance.

Athena Diagnostics
Classification: Uncertain significance. Last evaluated: 2016-11-10. Review status: criteria provided, single submitter. Criteria: Athena Diagnostics Criteria. Collection method: clinical testing. Allele origin: germline.

PreventionGenetics, part of Exact Sciences
Classification: Uncertain significance for PEX7-related condition. Last evaluated: 2024-03-22. Review status: no assertion criteria provided. Collection method: clinical testing. Allele origin: germline. Not counted in ClinVar's aggregate classification.
Comment: The PEX7 c.44C>T variant is predicted to result in the amino acid substitution p.Pro15Leu. To our knowledge, this variant has not been reported in the literature. This variant is reported in 0.033% of alleles in individuals of African descent in gnomAD. At this time, the clinical significance of this variant is uncertain due to the absence of conclusive functional and genetic evidence.

Natera, Inc.
Classification: Uncertain significance for Rhizomelic Chondrodysplasia Punctata. Last evaluated: 2020-08-07. Review status: no assertion criteria provided. Collection method: clinical testing. Allele origin: germline. Not counted in ClinVar's aggregate classification.